The following is an entry in ClinVar:

ClinVar aggregate classification (germline): Uncertain significance (1 of 4 stars; one submission).

Conditions:
Inborn genetic diseases. Identifiers: MedGen C0950123, MeSH D030342.

Submission:

Ambry Genetics
Classification: Uncertain significance for Inborn genetic diseases. Last evaluated: 2025-11-06. Review status: criteria provided, single submitter. Criteria: Ambry Variant Classification Scheme 2023. Collection method: clinical testing. Allele origin: germline.
Comment: The c.1301T>C (p.F434S) alteration is located in exon 11 (coding exon 9) of the GABRA1 gene. This alteration results from a T to C substitution at nucleotide position 1301, causing the phenylalanine (F) at amino acid position 434 to be replaced by a serine (S). This variant was not reported in population-based cohorts in the Genome Aggregation Database (gnomAD). This amino acid position is highly conserved in available vertebrate species. This alteration is predicted to be deleterious by in silico analysis. Based on insufficient or conflicting evidence, the clinical significance of this alteration remains unclear.

NM_001127644.2(GABRA1):c.1301T>C (p.Phe434Ser)

Gene: GABRA1 (gamma-aminobutyric acid type A receptor subunit alpha1; plus strand). Cytogenetic location: 5q34.
Variant type: single nucleotide variant.
Coding change: c.1301T>C on transcript NM_001127644.2 (MANE Select); coding-DNA position 1301, T replaced by C.
Protein change: p.Phe434Ser; replaces phenylalanine 434 with serine.
Molecular consequence: missense variant.
Genome position (GRCh38, 1-based): chr5:161,897,352, T>C. VCF-style: chr5-161897352-T-C. GRCh37 (hg19) VCF-style: chr5-161324358-T-C.
Other names: c.1301T>C, p.Phe434Ser (NM_000806.5, NM_001127643.2, NM_001127645.2 and 1 more transcripts); short protein forms F434S.
Identifiers: ClinVar variation 4620535 (VCV004620535.1).